The following is an entry in ClinVar:

ClinVar aggregate classification (germline): Uncertain significance (1 of 4 stars; one submission).

Conditions:
Joubert syndrome. Also called: Familial aplasia of the vermis; CEREBELLOPARENCHYMAL DISORDER IV; JOUBERT-BOLTSHAUSER SYNDROME. Identifiers: Orphanet 475, MedGen C5979921, MONDO:0018772.

Allele frequency attached by ClinVar (database versions not stated): gnomAD exomes below 0.00001.
gnomAD v4.1: 4 of 1,613,832 alleles (0.00025%); highest among the groups gnomAD compares: Non-Finnish European, 0.000085%; no homozygotes.

Submission:

Labcorp Genetics (formerly Invitae), Labcorp
Classification: Uncertain significance for Joubert syndrome. Last evaluated: 2020-03-25. Review status: criteria provided, single submitter. Criteria: Invitae Variant Classification Sherloc (09022015). Collection method: clinical testing. Allele origin: germline.
Comment: In summary, the available evidence is currently insufficient to determine the role of this variant in disease. Therefore, it has been classified as a Variant of Uncertain Significance. This sequence change replaces alanine with valine at codon 84 of the AHI1 protein (p.Ala84Val). The alanine residue is weakly conserved and there is a small physicochemical difference between alanine and valine. This variant is not present in population databases (ExAC no frequency). This variant has not been reported in the literature in individuals with AHI1-related conditions. Algorithms developed to predict the effect of missense changes on protein structure and function output the following: SIFT: "Tolerated"; PolyPhen-2: "Benign"; Align-GVGD: "Class C0". The valine amino acid residue is found in multiple mammalian species, suggesting that this missense change does not adversely affect protein function. These predictions have not been confirmed by published functional studies and their clinical significance is uncertain.

NM_001134831.2(AHI1):c.251C>T (p.Ala84Val)

Gene: AHI1 (Abelson helper integration site 1; minus strand). Cytogenetic location: 6q23.3.
Variant type: single nucleotide variant.
Coding change: c.251C>T on transcript NM_001134831.2 (MANE Select); coding-DNA position 251, C replaced by T.
Protein change: p.Ala84Val; replaces alanine 84 with valine.
Molecular consequence: missense variant.
Genome position (GRCh38, 1-based): chr6:135,466,312, G>A on the plus strand (C>T on the coding strand, the complement: AHI1 is on the minus strand). VCF-style: chr6-135466312-G-A. GRCh37 (hg19) VCF-style: chr6-135787450-G-A.
Other names: c.251C>T, p.Ala84Val (NM_001134830.2, NM_001134832.2, NM_001350503.2 and 2 more transcripts); short protein forms A84V.
Identifiers: ClinVar variation 1017640 (VCV001017640.9), dbSNP rs1445914255, ClinGen allele CA365752240.